The following is an entry in ClinVar:

ClinVar aggregate classification (germline): Uncertain significance (1 of 4 stars; one submission).

Conditions:
Hereditary cancer-predisposing syndrome. Also called: Tumor predisposition; Neoplastic Syndromes, Hereditary; Hereditary Cancer Syndrome; Hereditary neoplastic syndrome. Identifiers: Orphanet 140162, MedGen C0027672, MeSH D009386, MONDO:0015356.

Submission:

Ambry Genetics
Classification: Uncertain significance for Hereditary cancer-predisposing syndrome. Last evaluated: 2024-09-15. Review status: criteria provided, single submitter. Criteria: Ambry Variant Classification Scheme 2023. Collection method: clinical testing. Allele origin: germline.
Comment: The p.C3404S variant (also known as c.10211G>C), located in coding exon 26 of the BRCA2 gene, results from a G to C substitution at nucleotide position 10211. The cysteine at codon 3404 is replaced by serine, an amino acid with dissimilar properties. This amino acid position is conserved. In addition, this alteration is predicted to be tolerated by in silico analysis. Based on the available evidence, the clinical significance of this variant remains unclear.

NM_000059.4(BRCA2):c.10211G>C (p.Cys3404Ser)

Gene: BRCA2 (BRCA2 DNA repair associated; plus strand). Cytogenetic location: 13q13.1.
Variant type: single nucleotide variant.
Coding change: c.10211G>C on transcript NM_000059.4 (MANE Select); coding-DNA position 10211, G replaced by C.
Protein change: p.Cys3404Ser; replaces cysteine 3404 with serine.
Molecular consequence: missense variant. On other transcripts: non-coding transcript variant (1).
Genome position (GRCh38, 1-based): chr13:32,398,724, G>C. VCF-style: chr13-32398724-G-C. GRCh37 (hg19) VCF-style: chr13-32972861-G-C.
Other names: c.10160G>C, p.Cys3387Ser (NM_001406720.1); c.5279G>C, p.Cys1760Ser (NM_001406721.1); c.3794G>C, p.Cys1265Ser (NM_001406722.1); c.10211G>C, p.Cys3404Ser (NM_001432077.1); c.10115G>C, p.Cys3372Ser (NM_001406719.1); short protein forms C1760S, C3372S, C1265S, C3387S, C3404S.
Identifiers: ClinVar variation 3482093 (VCV003482093.1).
Genomic context (GRCh38, chr13:32,398,724, plus strand): 5'-GACGTTGTACTACATCTCTGATCAAAGAACAGGAGAGTTCCCAGGCCAGTACGGAAGAAT[G>C]TGAGAAAAATAAGCAGGACACAATTACAACTAAAAAATATATCTAAGCATTTGCAAAGGC-3'
Protein context (NP_000050.3, residues 3394-3414): QESSQASTEE[Cys3404Ser]EKNKQDTITT